The following is an entry in ClinVar:

ClinVar aggregate classification (germline): Uncertain significance (1 of 4 stars; one submission).

Conditions:
RASopathy. Also called: rasopathies; Noonan spectrum disorder. Identifiers: Orphanet 536391, MedGen C5555857, MONDO:0021060.

Submission:

Labcorp Genetics (formerly Invitae), Labcorp
Classification: Uncertain significance for RASopathy. Last evaluated: 2023-06-25. Review status: criteria provided, single submitter. Criteria: Invitae Variant Classification Sherloc (09022015). Collection method: clinical testing. Allele origin: germline.
Comment: This variant has not been reported in the literature in individuals affected with MAP2K2-related conditions. This variant is not present in population databases (gnomAD no frequency). This sequence change creates a premature translational stop signal (p.Arg303Alafs*24) in the MAP2K2 gene. It is expected to result in an absent or disrupted protein product. However, the current clinical and genetic evidence is not sufficient to establish whether loss-of-function variants in MAP2K2 cause disease. Experimental studies and prediction algorithms are not available or were not evaluated, and the functional significance of this variant is currently unknown. In summary, the available evidence is currently insufficient to determine the role of this variant in disease. Therefore, it has been classified as a Variant of Uncertain Significance.

NM_030662.4(MAP2K2):c.903del (p.Arg303fs)

Gene: MAP2K2 (mitogen-activated protein kinase kinase 2; minus strand). Cytogenetic location: 19p13.3.
Variant type: Deletion.
Coding change: c.903del on transcript NM_030662.4 (MANE Select); coding-DNA position 903, one base deleted (C; older notation c.903delC).
Protein change: p.Arg303fs; shifts the reading frame from arginine 303.
Molecular consequence: frameshift variant.
Genome position (GRCh38, 1-based): chr19:4,099,217, G deleted on the plus strand (C on the coding strand, the reverse complement: MAP2K2 is on the minus strand); the first of 6 consecutive G bases (chr19:4,099,217-4,099,222); deleting any one gives the same sequence. VCF-style (leftmost placement, unchanged base first): chr19-4099216-CG-C. GRCh37 (hg19) VCF-style: chr19-4099214-CG-C.
Other names: short protein forms R303fs.
Identifiers: ClinVar variation 2728553 (VCV002728553.3), dbSNP rs2040964977, ClinGen allele CA2584878510.
Genomic context (GRCh38, chr19:4,099,216, plus strand): 5'-AGGGCACTGCGCGTCCAGACCGGAAGTTGCAGATTCAGGCCGTACCGCTGACGGGGCGCC[CG>C]GGGGGCCTCGGCCGAGGCGAGATGCTGTGAGGCTCTCCTTCTTCCCCGTCGACCACGGGC-3'